The following is an entry in ClinVar:

ClinVar aggregate classification (germline): Uncertain significance (1 of 4 stars; one submission).

Conditions:
Hereditary cancer-predisposing syndrome. Also called: Neoplastic Syndromes, Hereditary; Tumor predisposition; Hereditary Cancer Syndrome; Hereditary neoplastic syndrome. Identifiers: Orphanet 140162, MedGen C0027672, MeSH D009386, MONDO:0015356.

Submission:

Ambry Genetics
Classification: Uncertain significance for Hereditary cancer-predisposing syndrome. Last evaluated: 2025-06-23. Review status: criteria provided, single submitter. Criteria: Ambry Variant Classification Scheme 2023. Collection method: clinical testing. Allele origin: germline.
Comment: The p.L1750V variant (also known as c.5248C>G), located in coding exon 40 of the TSC2 gene, results from a C to G substitution at nucleotide position 5248. The leucine at codon 1750 is replaced by valine, an amino acid with highly similar properties. This amino acid position is conserved. In addition, this alteration is predicted to be deleterious by in silico analysis. Based on the available evidence, the clinical significance of this variant remains unclear.

NM_000548.5(TSC2):c.5248C>G (p.Leu1750Val)

Gene: TSC2 (TSC complex subunit 2; plus strand). Cytogenetic location: 16p13.3.
Variant type: single nucleotide variant.
Coding change: c.5248C>G on transcript NM_000548.5 (MANE Select); coding-DNA position 5248, C replaced by G.
Protein change: p.Leu1750Val; replaces leucine 1750 with valine.
Molecular consequence: missense variant. On other transcripts: non-coding transcript variant (5).
Genome position (GRCh38, 1-based): chr16:2,088,314, C>G. VCF-style: chr16-2088314-C-G. GRCh37 (hg19) VCF-style: chr16-2138315-C-G.
Other names: c.5047C>G, p.Leu1683Val (NM_001077183.3); c.5179C>G, p.Leu1727Val (NM_001114382.3); c.4939C>G, p.Leu1647Val (NM_001318827.2); c.4903C>G, p.Leu1635Val (NM_001318829.2); c.4516C>G, p.Leu1506Val (NM_001318831.2); c.5080C>G, p.Leu1694Val (NM_001318832.2); c.5050C>G, p.Leu1684Val (NM_001363528.2); c.5116C>G, p.Leu1706Val (NM_001370404.1); and 27 more; short protein forms L1236V, L1484V, L1530V, L1647V, L1683V, L1684V, L1690V, L1703V.
Identifiers: ClinVar variation 4192140 (VCV004192140.1).
Genomic context (GRCh38, chr16:2,088,314, plus strand): 5'-TCCAACCCCACCGATATCTACCCCTCCAAGTGGATTGCCCGGCTCCGCCACATCAAGCGG[C>G]TCCGCCAGCGGGTAGGGAATATGGGGCTCCCTCAGCGGGGTGTGCTGGCTGCCCAAGCTG-3'
Protein context (NP_000539.2, residues 1740-1760): WIARLRHIKR[Leu1750Val]RQRICEEAAY